The following is an entry in ClinVar:

NM_000157.4(GBA1):c.1588_1596delinsCAGTCGCCAGTGA (p.Thr530fs)

Genes: GBA1 (glucosylceramidase beta 1; minus strand), LOC106627981 (GBA recombination region; plus strand). Cytogenetic location: 1q22.
Variant type: Indel.
Coding change: c.1588_1596delinsCAGTCGCCAGTGA on transcript NM_000157.4 (MANE Select); coding-DNA positions 1588 to 1596, ACCTACCTG replaced by CAGTCGCCAGTGA.
Protein change: p.Thr530fs; shifts the reading frame from threonine 530.
Molecular consequence: frameshift variant.
Genome position (GRCh38, 1-based): chr1:155,235,010-155,235,018, CAGGTAGGT replaced by TCACTGGCGACTG on the plus strand (ACCTACCTG replaced by CAGTCGCCAGTGA on the coding strand, the reverse complement: GBA1 is on the minus strand). VCF-style: chr1-155235010-CAGGTAGGT-TCACTGGCGACTG. GRCh37 (hg19) VCF-style: chr1-155204801-CAGGTAGGT-TCACTGGCGACTG.
Other names: c.1588_1596delinsCAGTCGCCAGTGA, p.Thr530fs (NM_001005741.3, NM_001005742.3); c.1327_1335delinsCAGTCGCCAGTGA, p.Thr443fs (NM_001171811.2); c.1441_1449delinsCAGTCGCCAGTGA, p.Thr481fs (NM_001171812.2); short protein forms T443fs, T481fs, T530fs.
Identifiers: ClinVar variation 4817742 (VCV004817742.1).

ClinVar aggregate classification (germline): Likely pathogenic (1 of 4 stars; one submission).

Conditions:
Gaucher disease. Also called: Acute cerebral Gaucher disease; Cerebroside lipidosis syndrome; Gaucher splenomegaly; Sphingolipidosis 1; Glucocerebrosidosis; Glucosylceramidase deficiency. Identifiers: Orphanet 355, MedGen C0017205, MONDO:0018150.

Submission:

Natera, Inc.
Classification: Likely pathogenic for Gaucher disease. Last evaluated: 2024-10-25. Review status: criteria provided, single submitter. Criteria: Natera Variant Classification Schema (03/2026). Collection method: clinical testing. Allele origin: germline.
Comment: The c.1588_1596delACCTACCTGinsCAGTCGCCAGTGA variant in GBA1 is a frameshift variant predicted to elongate the protein beyond the termination codon. This variant is expected to result in nonsense mediated decay, truncation, or a dysfunctional protein product. This variant is rare in the general population with a frequency below the threshold expected for the associated phenotype(s). Given the available evidence, this variant is classified as Likely Pathogenic.